The following is an entry in ClinVar:

NM_006379.5(SEMA3C):c.194G>A (p.Arg65Gln)

Gene: SEMA3C (semaphorin 3C; minus strand). Cytogenetic location: 7q21.11.
Variant type: single nucleotide variant.
Coding change: c.194G>A on transcript NM_006379.5 (MANE Select); coding-DNA position 194, G replaced by A.
Protein change: p.Arg65Gln; replaces arginine 65 with glutamine.
Molecular consequence: missense variant.
Genome position (GRCh38, 1-based): chr7:80,828,655, C>T on the plus strand (G>A on the coding strand, the complement: SEMA3C is on the minus strand). VCF-style: chr7-80828655-C-T. GRCh37 (hg19) VCF-style: chr7-80457971-C-T.
Other names: c.248G>A, p.Arg83Gln (NM_001350120.2); c.20G>A, p.Arg7Gln (NM_001350121.2); short protein forms R65Q, R7Q, R83Q.
Identifiers: ClinVar variation 3352410 (VCV003352410.2).

ClinVar aggregate classification (germline): Uncertain significance (1 of 4 stars; one submission).

Conditions:
SEMA3C-related disorder. Also called: SEMA3C-related condition.

Submission:

PreventionGenetics, part of Exact Sciences
Classification: Uncertain significance for SEMA3C-related condition. Last evaluated: 2026-06-29. Review status: criteria provided, single submitter. Criteria: ACMG Guidelines, 2015. Collection method: clinical testing. Allele origin: germline.
Comment: The SEMA3C c.248G>A variant is predicted to result in the amino acid substitution p.Arg83Gln. To our knowledge, this variant has not been reported in the literature. This variant is reported in 0.0085% of alleles in individuals of European (Non-Finnish) descent in gnomAD. At this time, the clinical significance of this variant is uncertain due to the absence of conclusive functional and genetic evidence.